The following is an entry in ClinVar:

NM_001953.5(TYMP):c.215-8C>T

Genes: TYMP (thymidine phosphorylase; minus strand), LOC130067864 (ATAC-STARR-seq lymphoblastoid active region 19325; plus strand). Cytogenetic location: 22q13.33.
Variant type: single nucleotide variant.
Coding change: c.215-8C>T on transcript NM_001953.5 (MANE Select); 8 bases into the intron before coding-DNA position 215, C replaced by T.
Molecular consequence: intron variant.
Genome position (GRCh38, 1-based): chr22:50,529,346, G>A on the plus strand (C>T on the coding strand, the complement: TYMP is on the minus strand). VCF-style: chr22-50529346-G-A. GRCh37 (hg19) VCF-style: chr22-50967775-G-A.
Other names: c.215-8C>T (NM_001257989.1, NM_001257988.1, NM_001113755.3 and 4 more transcripts).
Identifiers: ClinVar variation 382092 (VCV000382092.16), dbSNP rs368036954, ClinGen allele CA10321817.

ClinVar aggregate classification (germline): Benign/Likely benign. Review status: criteria provided, multiple submitters, no conflicts (2 of 4 stars). 4 submissions from 4 submitters: Benign (1); Likely benign (2). 1 of the submissions does not count toward it. Last evaluated 2026-01-28.

Conditions:
TYMP-related disorder. Also called: TYMP-related condition.

Allele frequency attached by ClinVar (database versions not stated): gnomAD exomes 0.00006 and 0.00017; ExAC 0.00023; 1000 Genomes Project 0.00040; 1000 Genomes Project 30x 0.00047; gnomAD 0.00063 and 0.00068; TOPMed 0.00074; ESP Exome Variant Server 0.00085.

Submissions (4):

Labcorp Genetics (formerly Invitae), Labcorp
Classification: Benign. Last evaluated: 2026-01-28. Review status: criteria provided, single submitter. Criteria: Invitae Variant Classification Sherloc (09022015). Collection method: clinical testing. Allele origin: germline.

Blueprint Genetics
Classification: Likely benign. Last evaluated: 2024-09-23. Review status: criteria provided, single submitter. Criteria: ACMG Guidelines, 2015. Collection method: clinical testing. Allele origin: germline.

GeneDx
Classification: Likely benign. Last evaluated: 2018-12-28. Review status: criteria provided, single submitter. Criteria: GeneDx Variant Classification Process June 2021. Collection method: clinical testing. Allele origin: germline. Affected: yes.

PreventionGenetics, part of Exact Sciences
Classification: Likely benign for TYMP-related condition. Last evaluated: 2020-10-27. Review status: no assertion criteria provided. Collection method: clinical testing. Allele origin: germline. Not counted in ClinVar's aggregate classification.
Comment: This variant is classified as likely benign based on ACMG/AMP sequence variant interpretation guidelines (Richards et al. 2015 PMID: 25741868, with internal and published modifications).